The following is an entry in ClinVar:

ClinVar aggregate classification (germline): Benign/Likely benign. Review status: criteria provided, multiple submitters, no conflicts (2 of 4 stars). 6 submissions from 6 submitters: Benign (4); Likely benign (1). 1 of the submissions does not count toward it. Last evaluated 2026-01-27.

Conditions:
LRP6-related disorder. Also called: LRP6-related condition.
Coronary artery disease, autosomal dominant 2 (ADCAD2). Identifiers: MedGen C1970440, MONDO:0012586, OMIM 610947.
Tooth agenesis, selective, 7 (STHAG7). Identifiers: Orphanet 99798, MedGen C4225231, MONDO:0014749, OMIM 616724.

Allele frequency attached by ClinVar (database versions not stated): gnomAD exomes 0.00052 and 0.00132; ExAC 0.00171; gnomAD 0.00519 and 0.00556; ESP Exome Variant Server 0.00584; TOPMed 0.00591; 1000 Genomes Project 30x 0.00703; 1000 Genomes Project 0.00719.
gnomAD v4.1: 1,564 of 1,614,024 alleles (0.097%); highest among the groups gnomAD compares: African/African-American, 1.8%; 12 homozygotes.

Submissions (6):

Labcorp Genetics (formerly Invitae), Labcorp
Classification: Benign. Last evaluated: 2026-01-27. Review status: criteria provided, single submitter. Criteria: Invitae Variant Classification Sherloc (09022015). Collection method: clinical testing. Allele origin: germline.

Mayo Clinic Laboratories, Mayo Clinic
Classification: Benign. Last evaluated: 2024-12-27. Review status: criteria provided, single submitter. Criteria: ACMG Guidelines, 2015. Collection method: clinical testing. Allele origin: germline. Observed: 5 variant alleles.
Comment: BS1, BS2, BP4, BP7

Blueprint Genetics
Classification: Likely benign. Last evaluated: 2024-10-24. Review status: criteria provided, single submitter. Criteria: ACMG Guidelines, 2015. Collection method: clinical testing. Allele origin: germline.

Fulgent Genetics
Classification: Benign for Coronary artery disease, autosomal dominant 2; Tooth agenesis, selective, 7. Last evaluated: 2022-03-01. Review status: criteria provided, single submitter. Criteria: ACMG Guidelines, 2015. Collection method: clinical testing. Allele origin: unknown.

Breakthrough Genomics
Classification: Benign. Review status: criteria provided, single submitter. Criteria: ACMG Guidelines, 2015. Collection method: not provided. Allele origin: germline. Inheritance: Autosomal dominant inheritance. Affected: yes.

PreventionGenetics, part of Exact Sciences
Classification: Benign for LRP6-related condition. Last evaluated: 2019-08-13. Review status: no assertion criteria provided. Collection method: clinical testing. Allele origin: germline. Not counted in ClinVar's aggregate classification.
Comment: This variant is classified as benign based on ACMG/AMP sequence variant interpretation guidelines (Richards et al. 2015 PMID: 25741868, with internal and published modifications).

NM_002336.3(LRP6):c.2382C>T (p.Asn794=)

Gene: LRP6 (LDL receptor related protein 6; minus strand). Cytogenetic location: 12p13.2.
Variant type: single nucleotide variant.
Coding change: c.2382C>T on transcript NM_002336.3 (MANE Select); coding-DNA position 2382, C replaced by T.
Protein change: p.Asn794=; no amino-acid change (asparagine 794 retained).
Molecular consequence: synonymous variant.
Genome position (GRCh38, 1-based): chr12:12,159,862, G>A on the plus strand (C>T on the coding strand, the complement: LRP6 is on the minus strand). VCF-style: chr12-12159862-G-A. GRCh37 (hg19) VCF-style: chr12-12312796-G-A.
Other names: p.Asn794=.
Identifiers: ClinVar variation 723537 (VCV000723537.16), dbSNP rs74774620, ClinGen allele CA6455467.
Genomic context (GRCh38, chr12:12,159,862, plus strand): 5'-TAAGTTGGTGTCCAGGTCTGTCCAATAAAGCCTCCTTTTAGCATAATCAATAGTTAGGCC[G>A]TTTGCCCGCCCCACATTTGGAACTAAGGTAGTACGTTCACTTCCATCCATTGCAGCTCTG-3'
Protein context (NP_002327.2, residues 784-804): TTLVPNVGRA[Asn794=]GLTIDYAKRR